The following is an entry in ClinVar:

NM_014141.6(CNTNAP2):c.3317A>G (p.Asn1106Ser)

Gene: CNTNAP2 (contactin associated protein 2; plus strand). Cytogenetic location: 7q36.1.
Variant type: single nucleotide variant.
Coding change: c.3317A>G on transcript NM_014141.6 (MANE Select); coding-DNA position 3317, A replaced by G.
Protein change: p.Asn1106Ser; replaces asparagine 1106 with serine.
Molecular consequence: missense variant.
Genome position (GRCh38, 1-based): chr7:148,229,715, A>G. VCF-style: chr7-148229715-A-G. GRCh37 (hg19) VCF-style: chr7-147926807-A-G.
Other names: short protein forms N1106S.
Identifiers: ClinVar variation 536330 (VCV000536330.9), dbSNP rs1554405605, ClinGen allele CA369929708.

ClinVar aggregate classification (germline): Uncertain significance (1 of 4 stars; one submission).

Conditions:
Cortical dysplasia-focal epilepsy syndrome (PTHSL1). Also called: Pitt-Hopkins-like syndrome 1. Identifiers: Orphanet 163681, Orphanet 221150, MedGen C2750246, MONDO:0012400, OMIM 610042.

Submission:

Labcorp Genetics (formerly Invitae), Labcorp
Classification: Uncertain significance for Cortical dysplasia-focal epilepsy syndrome. Last evaluated: 2017-09-20. Review status: criteria provided, single submitter. Criteria: Invitae Variant Classification Sherloc (09022015). Collection method: clinical testing. Allele origin: germline.
Comment: This sequence change replaces asparagine with serine at codon 1106 of the CNTNAP2 protein (p.Asn1106Ser). The asparagine residue is highly conserved and there is a small physicochemical difference between asparagine and serine. This variant is not present in population databases (ExAC no frequency). This variant has not been reported in the literature in individuals with CNTNAP2-related disease. Algorithms developed to predict the effect of missense changes on protein structure and function output the following: SIFT: "Tolerated"; PolyPhen-2: "Benign"; Align-GVGD: "Class C0". The serine amino acid residue is found in multiple mammalian species, suggesting that this missense change does not adversely affect protein function. These predictions have not been confirmed by published functional studies and their clinical significance is uncertain. In summary, the available evidence is currently insufficient to determine the role of this variant in disease. Therefore, it has been classified as a Variant of Uncertain Significance.